The following is an entry in ClinVar:

NM_152419.3(HGSNAT):c.847C>T (p.Pro283Ser)

Gene: HGSNAT (heparan-alpha-glucosaminide N-acetyltransferase; plus strand). Cytogenetic location: 8p11.21.
Variant type: single nucleotide variant.
Coding change: c.847C>T on transcript NM_152419.3 (MANE Select); coding-DNA position 847, C replaced by T.
Protein change: p.Pro283Ser; replaces proline 283 with serine.
Molecular consequence: missense variant. On other transcripts: intron variant (2).
Genome position (GRCh38, 1-based): chr8:43,173,739, C>T. VCF-style: chr8-43173739-C-T. GRCh37 (hg19) VCF-style: chr8-43028882-C-T.
Other names: c.847C>T, p.Pro283Ser (NM_001363227.2); c.-14+1353C>T (NM_001363229.2); c.820+1353C>T (NM_001363228.2); short protein forms P283S.
Identifiers: ClinVar variation 1488117 (VCV001488117.10), dbSNP rs2130754863, ClinGen allele CA371116538.

ClinVar aggregate classification (germline): Conflicting classifications of pathogenicity. Review status: criteria provided, conflicting classifications (1 of 4 stars). 2 submissions from 2 submitters: Likely pathogenic (1); Uncertain significance (1). Last evaluated 2025-07-26.

Conditions:
Mucopolysaccharidosis, MPS-III-C (MPS3C). Also called: SANFILIPPO SYNDROME C; MPS III C; MPS IIIC (Sanfilippo Syndrome Type C); MUCOPOLYSACCHARIDOSIS, TYPE IIIC; Mucopolysaccharidosis type IIIC (Sanfilippo C); mucopolysaccharidosis type 3C. Identifiers: Orphanet 581, Orphanet 79271, MedGen C0086649, MONDO:0009657, OMIM 252930.
Retinitis pigmentosa 73 (RP73). Identifiers: Orphanet 791, MedGen C4225287, MONDO:0014687, OMIM 616544.

Submissions (2):

Women's Health and Genetics/Laboratory Corporation of America, LabCorp
Classification: Uncertain significance. Last evaluated: 2025-07-26. Review status: criteria provided, single submitter. Criteria: LabCorp Variant Classification Summary - May 2015. Collection method: clinical testing. Allele origin: germline.
Comment: Variant summary: HGSNAT c.847C>T (p.Pro283Ser) results in a non-conservative amino acid change in the encoded protein sequence. Algorithms developed to predict the effect of missense changes on protein structure and function all suggest that this variant is likely to be disruptive. The variant was absent in 246918 control chromosomes. The available data on variant occurrences in the general population are insufficient to allow any conclusion about variant significance. To our knowledge, no occurrence of c.847C>T in individuals affected with Mucopolysaccharidosis, MPS-III-C and no experimental evidence demonstrating its impact on protein function have been reported. ClinVar contains an entry for this variant (Variation ID: 1488117). Based on the evidence outlined above, the variant was classified as uncertain significance.

Labcorp Genetics (formerly Invitae), Labcorp
Classification: Likely pathogenic for Retinitis pigmentosa 73; Mucopolysaccharidosis, MPS-III-C. Last evaluated: 2021-06-19. Review status: criteria provided, single submitter. Criteria: Invitae Variant Classification Sherloc (09022015). Collection method: clinical testing. Allele origin: germline.
Comment: In summary, the currently available evidence indicates that the variant is pathogenic, but additional data are needed to prove that conclusively. Therefore, this variant has been classified as Likely Pathogenic. This variant disrupts the p.Pro283 amino acid residue in HGSNAT. Other variant(s) that disrupt this residue have been determined to be pathogenic (PMID: 17033958, 31228227, 19823584, 20583299). This suggests that this residue is clinically significant, and that variants that disrupt this residue are likely to be disease-causing. Advanced modeling of protein sequence and biophysical properties (such as structural, functional, and spatial information, amino acid conservation, physicochemical variation, residue mobility, and thermodynamic stability) performed at Invitae indicates that this missense variant is expected to disrupt HGSNAT protein function. This variant has not been reported in the literature in individuals with HGSNAT-related conditions. This variant is not present in population databases (ExAC no frequency). This sequence change replaces proline with serine at codon 283 of the HGSNAT protein (p.Pro283Ser). The proline residue is moderately conserved and there is a moderate physicochemical difference between proline and serine.

Literature cited by the submitters: PubMed 17033958 (cited by Labcorp Genetics (formerly Invitae), Labcorp); PubMed 31228227 (cited by Labcorp Genetics (formerly Invitae), Labcorp); PubMed 19823584 (cited by Labcorp Genetics (formerly Invitae), Labcorp); PubMed 20583299 (cited by Labcorp Genetics (formerly Invitae), Labcorp).